The following is an entry in ClinVar:

NM_005413.4(SIX3):c.61G>T (p.Asp21Tyr)

Gene: SIX3 (SIX homeobox 3; plus strand). Cytogenetic location: 2p21.
Variant type: single nucleotide variant.
Coding change: c.61G>T on transcript NM_005413.4 (MANE Select); coding-DNA position 61, G replaced by T.
Protein change: p.Asp21Tyr; replaces aspartic acid 21 with tyrosine.
Molecular consequence: missense variant.
Genome position (GRCh38, 1-based): chr2:44,942,165, G>T. VCF-style: chr2-44942165-G-T. GRCh37 (hg19) VCF-style: chr2-45169304-G-T.
Other names: short protein forms D21Y.
Identifiers: ClinVar variation 2604087 (VCV002604087.3), dbSNP rs537643024, ClinGen allele CA1642249.

ClinVar aggregate classification (germline): Conflicting classifications of pathogenicity. Review status: criteria provided, conflicting classifications (1 of 4 stars). 2 submissions from 2 submitters: Uncertain significance (1); Likely benign (1). Last evaluated 2026-01-01.

Conditions:
Holoprosencephaly 2 (HPE2). Identifiers: Orphanet 2162, MedGen C1834877, MONDO:0007999, OMIM 157170.
Inborn genetic diseases. Identifiers: MedGen C0950123, MeSH D030342.

Allele frequency attached by ClinVar (database versions not stated): gnomAD 0.00003; gnomAD exomes 0.00006; ExAC 0.00009; 1000 Genomes Project 30x 0.00016; 1000 Genomes Project 0.00020.

Submissions (2):

Centre for Medical Genetics,  Mumbai
Classification: Likely benign for Holoprosencephaly 2. Last evaluated: 2026-01-01. Review status: criteria provided, single submitter. Criteria: ACMG Guidelines, 2015. Collection method: provider interpretation. Allele origin: germline. Inheritance: Autosomal dominant inheritance. Affected: no. Observed: 1 heterozygote.
Comment: The variant satisfies PP3 criteria; For a missense or a splicing region variant, computational prediction tools unanimously support a deleterious effect on the gene. The variant satisfies PP2 criteria; Missense variant in a gene with low rate of benign missense mutations and for which missense mutation is a common mechanism of a disease. However, the variant satisfies BS2 criteria.

Ambry Genetics
Classification: Uncertain significance for Inborn genetic diseases. Last evaluated: 2023-06-16. Review status: criteria provided, single submitter. Criteria: Ambry Variant Classification Scheme 2023. Collection method: clinical testing. Allele origin: germline.

Literature cited by the submitters: PubMed 16323008 (cited by Centre for Medical Genetics,  Mumbai).